The following is an entry in ClinVar:

NM_000038.6(APC):c.8315C>T (p.Ser2772Leu)

Gene: APC (APC regulator of Wnt signaling pathway; plus strand). Cytogenetic location: 5q22.2.
Variant type: single nucleotide variant.
Coding change: c.8315C>T on transcript NM_000038.6 (MANE Select); coding-DNA position 8315, C replaced by T.
Protein change: p.Ser2772Leu; replaces serine 2772 with leucine.
Molecular consequence: missense variant.
Genome position (GRCh38, 1-based): chr5:112,843,909, C>T. VCF-style: chr5-112843909-C-T. GRCh37 (hg19) VCF-style: chr5-112179606-C-T.
Other names: c.8315C>T, p.Ser2772Leu (NM_001127510.3, NM_001354895.2); c.8261C>T, p.Ser2754Leu (NM_001127511.3); c.8369C>T, p.Ser2790Leu (NM_001354896.2); c.8345C>T, p.Ser2782Leu (NM_001354897.2); c.8240C>T, p.Ser2747Leu (NM_001354898.2); c.8231C>T, p.Ser2744Leu (NM_001354899.2); c.8192C>T, p.Ser2731Leu (NM_001354900.2); c.8138C>T, p.Ser2713Leu (NM_001354901.2); and 5 more; short protein forms S2681L, S2713L, S2747L, S2772L, S2782L, S2489L, S2731L, S2744L.
Identifiers: ClinVar variation 1466716 (VCV001466716.6), dbSNP rs2150003036, ClinGen allele CA16039379.

ClinVar aggregate classification (germline): Uncertain significance (1 of 4 stars; one submission).

Conditions:
Familial adenomatous polyposis 1 (FAP1). Also called: FAMILIAL ADENOMATOUS POLYPOSIS 1, ATTENUATED; POLYPOSIS, ADENOMATOUS INTESTINAL. Identifiers: MedGen C2713442, MONDO:0021056, OMIM 175100. Disease mechanism: loss of function.

Submission:

Labcorp Genetics (formerly Invitae), Labcorp
Classification: Uncertain significance for Familial adenomatous polyposis 1. Last evaluated: 2021-10-31. Review status: criteria provided, single submitter. Criteria: Invitae Variant Classification Sherloc (09022015). Collection method: clinical testing. Allele origin: germline.
Comment: This sequence change replaces serine, which is neutral and polar, with leucine, which is neutral and non-polar, at codon 2772 of the APC protein (p.Ser2772Leu). This variant is not present in population databases (gnomAD no frequency). This variant has not been reported in the literature in individuals affected with APC-related conditions. Algorithms developed to predict the effect of missense changes on protein structure and function are either unavailable or do not agree on the potential impact of this missense change (SIFT: "Tolerated"; PolyPhen-2: "Probably Damaging"; Align-GVGD: "Class C0"). In summary, the available evidence is currently insufficient to determine the role of this variant in disease. Therefore, it has been classified as a Variant of Uncertain Significance.